The following is an entry in ClinVar:

NM_145728.3(SYNM):c.797C>T (p.Ala266Val)

Gene: SYNM (synemin; plus strand). Cytogenetic location: 15q26.3.
Variant type: single nucleotide variant.
Coding change: c.797C>T on transcript NM_145728.3 (MANE Select); coding-DNA position 797, C replaced by T.
Protein change: p.Ala266Val; replaces alanine 266 with valine.
Molecular consequence: missense variant.
Genome position (GRCh38, 1-based): chr15:99,105,996, C>T. VCF-style: chr15-99105996-C-T. GRCh37 (hg19) VCF-style: chr15-99646201-C-T.
Other names: c.797C>T, p.Ala266Val (NM_015286.6); short protein forms A266V.
Identifiers: ClinVar variation 2645739 (VCV002645739.24), dbSNP rs140039713, ClinGen allele CA7753349.

ClinVar aggregate classification (germline): Likely benign (1 of 4 stars; one submission).

Allele frequency attached by ClinVar (database versions not stated): 1000 Genomes Project 30x 0.00172; 1000 Genomes Project 0.00180; ExAC 0.01074.
gnomAD v4.1: 6,144 of 1,476,488 alleles (0.42%); highest among the groups gnomAD compares: Middle Eastern, 2.8%; 23 homozygotes.

Submission:

CeGaT Center for Human Genetics Tuebingen
Classification: Likely benign. Last evaluated: 2024-01-01. Review status: criteria provided, single submitter. Criteria: CeGaT Center For Human Genetics Tuebingen Variant Classification Criteria Version 2. Collection method: clinical testing. Allele origin: germline. Affected: yes. Observed: 2 variant alleles.
Comment: SYNM: BS2